The following is an entry in ClinVar:

ClinVar aggregate classification (germline): Uncertain significance (1 of 4 stars; one submission).

Allele frequency attached by ClinVar (database versions not stated): gnomAD exomes below 0.00001; TOPMed 0.00002.
gnomAD v4.1: 2 of 1,613,918 alleles (0.00012%); highest among the groups gnomAD compares: Non-Finnish European, 0.00017%; no homozygotes.

Submission:

Labcorp Genetics (formerly Invitae), Labcorp
Classification: Uncertain significance. Last evaluated: 2020-10-10. Review status: criteria provided, single submitter. Criteria: Invitae Variant Classification Sherloc (09022015). Collection method: clinical testing. Allele origin: germline.
Comment: In summary, the available evidence is currently insufficient to determine the role of this variant in disease. Therefore, it has been classified as a Variant of Uncertain Significance. Algorithms developed to predict the effect of missense changes on protein structure and function are either unavailable or do not agree on the potential impact of this missense change (SIFT: "Deleterious"; PolyPhen-2: "Possibly Damaging"; Align-GVGD: "Class C0"). This variant has not been reported in the literature in individuals with CLCC1-related conditions. This variant is not present in population databases (ExAC no frequency). This sequence change replaces alanine with threonine at codon 343 of the CLCC1 protein (p.Ala343Thr). The alanine residue is highly conserved and there is a small physicochemical difference between alanine and threonine.

NM_001377458.1(CLCC1):c.1027G>A (p.Ala343Thr)

Gene: CLCC1 (chloride channel CLIC like 1; minus strand). Cytogenetic location: 1p13.3.
Variant type: single nucleotide variant.
Coding change: c.1027G>A on transcript NM_001377458.1 (MANE Select); coding-DNA position 1027, G replaced by A.
Protein change: p.Ala343Thr; replaces alanine 343 with threonine.
Molecular consequence: missense variant. On other transcripts: non-coding transcript variant (1).
Genome position (GRCh38, 1-based): chr1:108,939,650, C>T on the plus strand (G>A on the coding strand, the complement: CLCC1 is on the minus strand). VCF-style: chr1-108939650-C-T. GRCh37 (hg19) VCF-style: chr1-109482272-C-T.
Other names: c.1027G>A, p.Ala343Thr (NM_001048210.3, NM_001377459.1, NM_001377460.1 and 8 more transcripts); c.664G>A, p.Ala222Thr (NM_001278202.2); c.472G>A, p.Ala158Thr (NM_001278203.1); c.925G>A, p.Ala309Thr (NM_001377469.1); c.736G>A, p.Ala246Thr (NM_001377470.1); c.877G>A, p.Ala293Thr (NM_015127.5); short protein forms A158T, A222T, A246T, A293T, A309T, A343T.
Identifiers: ClinVar variation 1061277 (VCV001061277.9), dbSNP rs1274923675, ClinGen allele CA341459167.